The following is an entry in ClinVar:

ClinVar aggregate classification (germline): Conflicting classifications of pathogenicity. Review status: criteria provided, conflicting classifications (1 of 4 stars). 6 submissions from 6 submitters: Uncertain significance (3); Benign (1); Likely benign (1). 1 of the submissions does not count toward it. Last evaluated 2025-12-22.

Conditions:
Hereditary cancer-predisposing syndrome. Also called: Hereditary neoplastic syndrome; Neoplastic Syndromes, Hereditary; Hereditary Cancer Syndrome; Tumor predisposition. Identifiers: Orphanet 140162, MedGen C0027672, MeSH D009386, MONDO:0015356.
Multiple endocrine neoplasia type 2A. Also called: Multiple Endocrine Neoplasia Type 2A (MEN2A); MULTIPLE ENDOCRINE NEOPLASIA, TYPE IIA; PTC SYNDROME; SIPPLE SYNDROME; MEN 2A; MEN-2A syndrome. Identifiers: Orphanet 247698, Orphanet 653, MedGen C0025268, MeSH D018813, MONDO:0008234, OMIM 171400.
Hirschsprung disease, susceptibility to, 1 (HSCR1). Also called: RET-Related Hirschsprung Disease. Identifiers: Orphanet 388, MedGen C3888239, MONDO:0007723, OMIM 142623.
RET-related disorder. Also called: RET-related condition; RET-related disease; RET-related disorders.
Multiple endocrine neoplasia, type 2 (MEN2). Identifiers: Orphanet 653, MedGen C4048306, MONDO:0019003. Disease mechanism: gain of function.

Allele frequency attached by ClinVar (database versions not stated): gnomAD 0.00001; TOPMed 0.00003; ESP Exome Variant Server 0.00008.
gnomAD v4.1: 9 of 1,613,678 alleles (0.00056%); highest among the groups gnomAD compares: African/African-American, 0.004%; no homozygotes.

Submissions (6):

Labcorp Genetics (formerly Invitae), Labcorp
Classification: Uncertain significance for Multiple endocrine neoplasia, type 2. Last evaluated: 2025-12-22. Review status: criteria provided, single submitter. Criteria: Invitae Variant Classification Sherloc (09022015). Collection method: clinical testing. Allele origin: germline.
Comment: This sequence change replaces asparagine, which is neutral and polar, with lysine, which is basic and polar, at codon 336 of the RET protein (p.Asn336Lys). This variant is present in population databases (rs144981275, gnomAD 0.007%). This variant has not been reported in the literature in individuals affected with RET-related conditions. ClinVar contains an entry for this variant (Variation ID: 657732). An algorithm developed to predict the effect of missense changes on protein structure and function (PolyPhen-2) suggests that this variant is likely to be tolerated. In summary, the available evidence is currently insufficient to determine the role of this variant in disease. Therefore, it has been classified as a Variant of Uncertain Significance.

Ambry Genetics
Classification: Benign for Hereditary cancer-predisposing syndrome. Last evaluated: 2025-07-22. Review status: criteria provided, single submitter. Criteria: Ambry Variant Classification Scheme 2023. Collection method: clinical testing. Allele origin: germline.

Myriad Genetics, Inc.
Classification: Likely benign for Multiple endocrine neoplasia type 2A. Last evaluated: 2024-08-07. Review status: criteria provided, single submitter. Criteria: Myriad Autosomal Dominant, Autosomal Recessive and X-Linked Classification Criteria (2023). Collection method: clinical testing. Allele origin: unknown.
Comment: This variant is considered likely benign. This variant has been observed at a population frequency that is significantly greater than expected given the associated disease prevalence and penetrance.

Color Diagnostics, LLC DBA Color Health
Classification: Uncertain significance for Multiple endocrine neoplasia, type 2. Last evaluated: 2024-02-22. Review status: criteria provided, single submitter. Criteria: ACMG Guidelines, 2015. Collection method: clinical testing. Allele origin: germline.
Comment: This missense variant replaces asparagine with lysine at codon 336 of the RET protein. Computational prediction suggests that this variant may not impact protein structure and function. To our knowledge, functional studies have not been reported for this variant. This variant has not been reported in individuals affected with RET-related disorders in the literature. This variant has been identified in 4/249460 chromosomes in the general population by the Genome Aggregation Database (gnomAD). The available evidence is insufficient to determine the role of this variant in disease conclusively. Therefore, this variant is classified as a Variant of Uncertain Significance.

Baylor Genetics
Classification: Uncertain significance for Hirschsprung disease, susceptibility to, 1. Last evaluated: 2023-07-19. Review status: criteria provided, single submitter. Criteria: ACMG Guidelines, 2015. Collection method: clinical testing. Allele origin: unknown.

PreventionGenetics, part of Exact Sciences
Classification: Uncertain significance for RET-related condition. Last evaluated: 2024-07-30. Review status: no assertion criteria provided. Collection method: clinical testing. Allele origin: germline. Not counted in ClinVar's aggregate classification.
Comment: The RET c.1008C>G variant is predicted to result in the amino acid substitution p.Asn336Lys. To our knowledge, this variant has not been reported in the literature. This variant is reported in 0.012% of alleles in individuals of African descent in gnomAD, and it has been classified as a variant of uncertain significance in ClinVar. At this time, the clinical significance of this variant is uncertain due to the absence of conclusive functional and genetic evidence.

NM_020975.6(RET):c.1008C>G (p.Asn336Lys)

Gene: RET (ret proto-oncogene; plus strand). Cytogenetic location: 10q11.21.
Variant type: single nucleotide variant.
Coding change: c.1008C>G on transcript NM_020975.6 (MANE Select); coding-DNA position 1008, C replaced by G.
Protein change: p.Asn336Lys; replaces asparagine 336 with lysine.
Molecular consequence: missense variant.
Genome position (GRCh38, 1-based): chr10:43,106,516, C>G. VCF-style: chr10-43106516-C-G. GRCh37 (hg19) VCF-style: chr10-43601964-C-G.
Other names: c.1008C>G, p.Asn336Lys (NM_000323.2, NM_001406743.1, NM_001406744.1 and 6 more transcripts); c.246C>G, p.Asn82Lys (NM_001355216.2); c.879C>G, p.Asn293Lys (NM_001406761.1, NM_001406762.1, NM_001406764.1 and 1 more transcripts); c.720C>G, p.Asn240Lys (NM_001406766.1, NM_001406767.1, NM_001406770.1); short protein forms N336K, N82K, N293K, N240K.
Identifiers: ClinVar variation 657732 (VCV000657732.18), dbSNP rs144981275, ClinGen allele CA030592.